The following is an entry in ClinVar:

ClinVar aggregate classification (germline): Conflicting classifications of pathogenicity. Review status: criteria provided, conflicting classifications (1 of 4 stars). 2 submissions from 2 submitters: Pathogenic (1); Uncertain significance (1). Last evaluated 2025-08-26.

Conditions:
Combined oxidative phosphorylation defect type 20. Also called: Combined oxidative phosphorylation deficiency 20. Identifiers: Orphanet 420728, MedGen C4014660, MONDO:0014397, OMIM 615917.

Submissions (2):

Labcorp Genetics (formerly Invitae), Labcorp
Classification: Pathogenic. Last evaluated: 2025-08-26. Review status: criteria provided, single submitter. Criteria: Invitae Variant Classification Sherloc (09022015). Collection method: clinical testing. Allele origin: germline.
Comment: This sequence change creates a premature translational stop signal (p.Pro25Lysfs*4) in the VARS2 gene. It is expected to result in an absent or disrupted protein product. Loss-of-function variants in VARS2 are known to be pathogenic (PMID: 29313548). This variant is not present in population databases (gnomAD no frequency). This variant has not been reported in the literature in individuals affected with VARS2-related conditions. ClinVar contains an entry for this variant (Variation ID: 1330531). For these reasons, this variant has been classified as Pathogenic.

ARUP Laboratories, Molecular Genetics and Genomics, ARUP Laboratories
Classification: Uncertain significance for Combined oxidative phosphorylation defect type 20. Last evaluated: 2021-02-25. Review status: criteria provided, single submitter. Criteria: ARUP Molecular Germline Variant Investigation Process 2021. Collection method: clinical testing. Allele origin: germline.

Literature cited by the submitters: PubMed 29313548 (cited by Labcorp Genetics (formerly Invitae), Labcorp).

NM_020442.6(VARS2):c.-18_-12del

Gene: VARS2 (valyl-tRNA synthetase 2, mitochondrial; plus strand). Cytogenetic location: 6p21.33.
Variant type: Deletion.
Coding change: c.-18_-12del on transcript NM_020442.6 (MANE Select); 18 bases upstream of the start codon through 12 bases upstream of the start codon, 7 bases deleted (CCTTTCC; older notation c.-18_-12delCCTTTCC).
Molecular consequence: 5 prime UTR variant. On other transcripts: frameshift variant (1), intron variant (1).
Genome position (GRCh38, 1-based): chr6:30,914,819-30,914,825, CCTTTCC deleted; deleting any 7 consecutive bases within chr6:30,914,817-30,914,825 gives the same sequence; the c. name uses the placement nearest the transcript's 3' end. VCF-style (leftmost placement, unchanged base first): chr6-30914816-GCCCCTTT-G. GRCh37 (hg19) VCF-style: chr6-30882593-GCCCCTTT-G.
Other names: c.73_79del, p.Pro25fs (NM_001167734.2); c.-219-337_-219-331del (NM_001167733.3); short protein forms P25fs.
Identifiers: ClinVar variation 1330531 (VCV001330531.8), dbSNP rs1794042527, ClinGen allele CA1618925045.